The following is an entry in ClinVar:

ClinVar aggregate classification (germline): Uncertain significance. Review status: criteria provided, multiple submitters, no conflicts (2 of 4 stars). 2 submissions from 2 submitters: Uncertain significance (2). Last evaluated 2025-12-10.

Conditions:
Inborn genetic diseases. Identifiers: MedGen C0950123, MeSH D030342.

Allele frequency attached by ClinVar (database versions not stated): ExAC 0.00002; gnomAD exomes below 0.00001 and 0.00001.
gnomAD v4.1: 2 of 1,613,906 alleles (0.00012%); highest among the groups gnomAD compares: Admixed American, 0.0033%; no homozygotes.

Submissions (2):

Ambry Genetics
Classification: Uncertain significance for Inborn genetic diseases. Last evaluated: 2025-12-10. Review status: criteria provided, single submitter. Criteria: Ambry Variant Classification Scheme 2023. Collection method: clinical testing. Allele origin: germline.
Comment: The c.2102A>G (p.K701R) alteration is located in exon 3 (coding exon 3) of the PCLO gene. This alteration results from a A to G substitution at nucleotide position 2102, causing the lysine (K) at amino acid position 701 to be replaced by an arginine (R). Based on data from gnomAD, the G allele has an overall frequency of 0.001% (2/249262) total alleles studied. The highest observed frequency was 0.006% (2/34528) of Latino alleles. Based on insufficient or conflicting evidence, the clinical significance of this alteration remains unclear.

Labcorp Genetics (formerly Invitae), Labcorp
Classification: Uncertain significance. Last evaluated: 2022-08-09. Review status: criteria provided, single submitter. Criteria: Invitae Variant Classification Sherloc (09022015). Collection method: clinical testing. Allele origin: germline.
Comment: ClinVar contains an entry for this variant (Variation ID: 1519050). Algorithms developed to predict the effect of missense changes on protein structure and function output the following: SIFT: "Deleterious"; PolyPhen-2: "Not Available"; Align-GVGD: "Class C0". The arginine amino acid residue is found in multiple mammalian species, which suggests that this missense change does not adversely affect protein function. In summary, the available evidence is currently insufficient to determine the role of this variant in disease. Therefore, it has been classified as a Variant of Uncertain Significance. This variant has not been reported in the literature in individuals affected with PCLO-related conditions. This sequence change replaces lysine, which is basic and polar, with arginine, which is basic and polar, at codon 701 of the PCLO protein (p.Lys701Arg). This variant is present in population databases (rs778105246, gnomAD 0.006%).

NM_033026.6(PCLO):c.2102A>G (p.Lys701Arg)

Gene: PCLO (piccolo presynaptic cytomatrix protein; minus strand). Cytogenetic location: 7q21.11.
Variant type: single nucleotide variant.
Coding change: c.2102A>G on transcript NM_033026.6 (MANE Select); coding-DNA position 2102, A replaced by G.
Protein change: p.Lys701Arg; replaces lysine 701 with arginine.
Molecular consequence: missense variant.
Genome position (GRCh38, 1-based): chr7:83,135,448, T>C on the plus strand (A>G on the coding strand, the complement: PCLO is on the minus strand). VCF-style: chr7-83135448-T-C. GRCh37 (hg19) VCF-style: chr7-82764764-T-C.
Other names: c.2102A>G (NM_033026.5); c.2102A>G, p.Lys701Arg (NM_014510.3); short protein forms K701R.
Identifiers: ClinVar variation 1519050 (VCV001519050.8), dbSNP rs778105246, ClinGen allele CA4321312.